The following is an entry in ClinVar:

NM_017433.5(MYO3A):c.2169T>C (p.Asn723=)

Gene: MYO3A (myosin IIIA; plus strand). Cytogenetic location: 10p12.1.
Variant type: single nucleotide variant.
Coding change: c.2169T>C on transcript NM_017433.5 (MANE Select); coding-DNA position 2169, T replaced by C.
Protein change: p.Asn723=; no amino-acid change (asparagine 723 retained).
Molecular consequence: synonymous variant.
Genome position (GRCh38, 1-based): chr10:26,128,445, T>C. VCF-style: chr10-26128445-T-C. GRCh37 (hg19) VCF-style: chr10-26417374-T-C.
Identifiers: ClinVar variation 45802 (VCV000045802.22), dbSNP rs114982270, ClinGen allele CA137067.

ClinVar aggregate classification (germline): Conflicting classifications of pathogenicity. Review status: criteria provided, conflicting classifications (1 of 4 stars). 6 submissions from 6 submitters: Uncertain significance (1); Benign (3); Likely benign (1). 1 of the submissions does not count toward it. Last evaluated 2025-12-16.

Conditions:
MYO3A-related disorder. Also called: MYO3A-related condition.
Autosomal recessive nonsyndromic hearing loss 30. Identifiers: Orphanet 90636, MedGen C1846784, MONDO:0011774, OMIM 607101.

Allele frequency attached by ClinVar (database versions not stated): gnomAD exomes 0.00036 and 0.00096; ExAC 0.00133; TOPMed 0.00410; 1000 Genomes Project 0.00419; gnomAD 0.00428 and 0.00462; 1000 Genomes Project 30x 0.00468; ESP Exome Variant Server 0.00484.
gnomAD v4.1: 1,196 of 1,612,832 alleles (0.074%); highest among the groups gnomAD compares: African/African-American, 1.5%; 10 homozygotes.

Submissions (6):

Labcorp Genetics (formerly Invitae), Labcorp
Classification: Benign. Last evaluated: 2025-12-16. Review status: criteria provided, single submitter. Criteria: Invitae Variant Classification Sherloc (09022015). Collection method: clinical testing. Allele origin: germline.

Blueprint Genetics
Classification: Likely benign. Last evaluated: 2024-11-27. Review status: criteria provided, single submitter. Criteria: ACMG Guidelines, 2015. Collection method: clinical testing. Allele origin: germline.

GeneDx
Classification: Benign. Last evaluated: 2019-08-23. Review status: criteria provided, single submitter. Criteria: GeneDx Variant Classification Process June 2021. Collection method: clinical testing. Allele origin: germline. Affected: yes.

Illumina Laboratory Services, Illumina
Classification: Uncertain significance for Autosomal recessive nonsyndromic hearing loss 30. Last evaluated: 2018-01-13. Review status: criteria provided, single submitter. Criteria: ICSL Variant Classification Criteria 13 December 2019. Collection method: clinical testing. Allele origin: germline.

Laboratory for Molecular Medicine, Mass General Brigham Personalized Medicine
Classification: Benign. Last evaluated: 2012-05-07. Review status: criteria provided, single submitter. Criteria: LMM Criteria. Collection method: clinical testing. Allele origin: germline. Observed: 7 variant alleles.
Comment: "Asn723Asn in Exon 20 of MYO3A: This variant is not expected to have clinical si gnificance because it does not alter an amino acid residue, is not located withi n the splice consensus sequence, and has been identified in 1.5% (56/3736) of Af rican American chromosomes from a broad population by the NHLBI Exome Sequencing Project (dbSNP rs114982270)."

PreventionGenetics, part of Exact Sciences
Classification: Benign for MYO3A-related condition. Last evaluated: 2024-08-24. Review status: no assertion criteria provided. Collection method: clinical testing. Allele origin: germline. Not counted in ClinVar's aggregate classification.
Comment: This variant is classified as benign based on ACMG/AMP sequence variant interpretation guidelines (Richards et al. 2015 PMID: 25741868, with internal and published modifications).